The following is an entry in ClinVar:

ClinVar aggregate classification (germline): Uncertain significance (1 of 4 stars; one submission).

Submission:

GeneDx
Classification: Uncertain significance. Last evaluated: 2026-03-08. Review status: criteria provided, single submitter. Criteria: GeneDx Variant Classification Process June 2021. Collection method: clinical testing. Allele origin: germline.
Comment: In silico analysis suggests that this missense variant does not alter protein structure/function; Not observed at significant frequency in large population cohorts (gnomAD); Has not been previously published as pathogenic or benign to our knowledge

NM_153252.5(BRWD3):c.4057C>A (p.Gln1353Lys)

Gene: BRWD3 (bromodomain and WD repeat domain containing 3; minus strand). Cytogenetic location: Xq21.1.
Variant type: single nucleotide variant.
Coding change: c.4057C>A on transcript NM_153252.5 (MANE Select); coding-DNA position 4057, C replaced by A.
Protein change: p.Gln1353Lys; replaces glutamine 1353 with lysine.
Molecular consequence: missense variant.
Genome position (GRCh38, 1-based): chrX:80,685,485, G>T on the plus strand (C>A on the coding strand, the complement: BRWD3 is on the minus strand). VCF-style: chrX-80685485-G-T. GRCh37 (hg19) VCF-style: chrX-79940984-G-T.
Other names: c.3907C>A, p.Gln1303Lys (NM_001441339.1); short protein forms Q1303K, Q1353K.
Identifiers: ClinVar variation 5008422 (VCV005008422.1).